The following is an entry in ClinVar:

ClinVar aggregate classification (germline): Conflicting classifications of pathogenicity. Review status: criteria provided, conflicting classifications (1 of 4 stars). 4 submissions from 3 submitters: Uncertain significance (1); Likely benign (3). Last evaluated 2025-04-13.

Conditions:
Autosomal recessive ataxia, Beauce type. Also called: SYNE1-Related Autosomal Recessive Cerebellar Ataxia; Spinocerebellar ataxia, autosomal recessive 8; ATAXIA, RECESSIVE, OF BEAUCE; SYNE1 Deficiency. Identifiers: Orphanet 88644, MedGen C1853116, MONDO:0012549, OMIM 610743.
Emery-Dreifuss muscular dystrophy 4, autosomal dominant (EDMD4). Also called: EMERY-DREIFUSS MUSCULAR DYSTROPHY 4 WITH VARIABLE FEATURES. Identifiers: Orphanet 261, MedGen C2751807, MONDO:0013071, OMIM 612998.

Allele frequency attached by ClinVar (database versions not stated): gnomAD exomes 0.00004; TOPMed 0.00005; gnomAD 0.00006 and 0.00007; ExAC 0.00007; ESP Exome Variant Server 0.00008; 1000 Genomes Project 30x 0.00016; 1000 Genomes Project 0.00020.
gnomAD v4.1: 100 of 1,614,106 alleles (0.0062%); highest among the groups gnomAD compares: East Asian, 0.022%; no homozygotes.

Submissions (4):

Labcorp Genetics (formerly Invitae), Labcorp
Classification: Likely benign for Emery-Dreifuss muscular dystrophy 4, autosomal dominant; Autosomal recessive ataxia, Beauce type. Last evaluated: 2025-04-13. Review status: criteria provided, single submitter. Criteria: Invitae Variant Classification Sherloc (09022015). Collection method: clinical testing. Allele origin: germline.

Blueprint Genetics
Classification: Likely benign. Last evaluated: 2023-09-13. Review status: criteria provided, single submitter. Criteria: ACMG Guidelines, 2015. Collection method: clinical testing. Allele origin: germline.

Illumina Laboratory Services, Illumina
Classification: Uncertain significance for Autosomal recessive ataxia, Beauce type. Last evaluated: 2018-01-12. Review status: criteria provided, single submitter. Criteria: ICSL Variant Classification Criteria 13 December 2019. Collection method: clinical testing. Allele origin: germline.

Illumina Laboratory Services, Illumina
Classification: Likely benign for Emery-Dreifuss muscular dystrophy 4, autosomal dominant. Last evaluated: 2018-01-12. Review status: criteria provided, single submitter. Criteria: ICSL Variant Classification Criteria 13 December 2019. Collection method: clinical testing. Allele origin: germline.
Comment: This variant was observed in the ICSL laboratory as part of a predisposition screen in an ostensibly healthy population. It had not been previously curated by ICSL or reported in the Human Gene Mutation Database (HGMD: prior to June 1st, 2018), and was therefore a candidate for classification through an automated scoring system. Utilizing variant allele frequency, disease prevalence and penetrance estimates, and inheritance mode, an automated score was calculated to assess if this variant is too frequent to cause the disease. Based on the score and internal cut-off values, a variant classified as likely benign is not then subjected to further curation. The score for this variant resulted in a classification of likely benign for this disease.

NM_182961.4(SYNE1):c.10785C>T (p.Asn3595=)

Gene: SYNE1 (spectrin repeat containing nuclear envelope protein 1; minus strand). Cytogenetic location: 6q25.2.
Variant type: single nucleotide variant.
Coding change: c.10785C>T on transcript NM_182961.4 (MANE Select); coding-DNA position 10785, C replaced by T.
Protein change: p.Asn3595=; no amino-acid change (asparagine 3595 retained).
Molecular consequence: synonymous variant.
Genome position (GRCh38, 1-based): chr6:152,354,800, G>A on the plus strand (C>T on the coding strand, the complement: SYNE1 is on the minus strand). VCF-style: chr6-152354800-G-A. GRCh37 (hg19) VCF-style: chr6-152675935-G-A.
Other names: c.10806C>T, p.Asn3602= (NM_033071.5).
Identifiers: ClinVar variation 355889 (VCV000355889.13), dbSNP rs377049622, ClinGen allele CA4056877.
Genomic context (GRCh38, chr6:152,354,800, plus strand): 5'-TTTGAGCCATTCATCTACTTGCTGAAACTTTTGCTCCATTAGCCTCAATTTGTTCACCAC[G>A]TTATTGAACTGAGTTCGAGTCTCGGACAGCCTGTGCTGGTAAGCCTGCCAGTCTTGCCGG-3'
Protein context (NP_892006.3, residues 3585-3605): RLSETRTQFN[Asn3595=]VVNKLRLMEQ